The following is an entry in ClinVar:

NM_018489.3(ASH1L):c.5325C>A (p.Cys1775Ter)

Gene: ASH1L (ASH1 like histone lysine methyltransferase; minus strand). Cytogenetic location: 1q22.
Variant type: single nucleotide variant.
Coding change: c.5325C>A on transcript NM_018489.3 (MANE Select); coding-DNA position 5325, C replaced by A.
Protein change: p.Cys1775Ter; replaces cysteine 1775 with a stop codon.
Molecular consequence: nonsense.
Genome position (GRCh38, 1-based): chr1:155,438,830, G>T on the plus strand (C>A on the coding strand, the complement: ASH1L is on the minus strand). VCF-style: chr1-155438830-G-T. GRCh37 (hg19) VCF-style: chr1-155408621-G-T.
Other names: c.5325C>A, p.Cys1775Ter (NM_001366177.2); short protein forms C1775*.
Identifiers: ClinVar variation 2573017 (VCV002573017.1), dbSNP rs753734834, ClinGen allele CA342691408.

ClinVar aggregate classification (germline): Pathogenic (1 of 4 stars; one submission).

Conditions:
Intellectual developmental disorder, autosomal dominant 52. Also called: Mental retardation, autosomal dominant 52; Intellectual disability, autosomal dominant 52. Identifiers: MedGen C4540478, MONDO:0030918, OMIM 617796.

Submission:

Illumina Laboratory Services, Illumina
Classification: Pathogenic for Intellectual developmental disorder, autosomal dominant 52. Last evaluated: 2023-04-05. Review status: criteria provided, single submitter. Criteria: ICSLVariantClassificationCriteria RUGD 01 April 2020. Collection method: clinical testing. Allele origin: unknown.
Comment: The ASH1L c.5325C>A (p.Cys1775Ter) nonsense variant results in the loss of normal protein function through either protein truncation or nonsense-mediated mRNA decay is expected. To our knowledge, this variant has not been reported in the peer-reviewed literature. The c.5325C>A variant is not found in version 2.1.1 or version 3.1.2 of the Genome Aggregation Database. Based on the available evidence, the c.5325C>A (p.Cys1775Ter) variant is classified as pathogenic for intellectual developmental disorder, autosomal dominant.